The following is an entry in ClinVar:

NM_001270508.2(TNFAIP3):c.1906+1G>A

Gene: TNFAIP3 (TNF alpha induced protein 3; plus strand). Cytogenetic location: 6q23.3.
Variant type: single nucleotide variant.
Coding change: c.1906+1G>A on transcript NM_001270508.2 (MANE Select); the canonical splice donor site of the intron after coding-DNA position 1906, G replaced by A.
Molecular consequence: splice donor variant.
Genome position (GRCh38, 1-based): chr6:137,879,352, G>A. VCF-style: chr6-137879352-G-A. GRCh37 (hg19) VCF-style: chr6-138200489-G-A.
Other names: c.1906+1G>A (NM_001270507.2, NM_006290.4).
Identifiers: ClinVar variation 4737592 (VCV004737592.1).

ClinVar aggregate classification (germline): Likely pathogenic (1 of 4 stars; one submission).

Submission:

Labcorp Genetics (formerly Invitae), Labcorp
Classification: Likely pathogenic. Last evaluated: 2025-11-27. Review status: criteria provided, single submitter. Criteria: Invitae Variant Classification Sherloc (09022015). Collection method: clinical testing. Allele origin: germline.
Comment: This sequence change affects a donor splice site in intron 7 of the TNFAIP3 gene. RNA analysis indicates that disruption of this splice site induces altered splicing and may result in an absent or altered protein product. This variant is not present in population databases (gnomAD no frequency). Disruption of this splice site has been observed in individual(s) with autoinflammatory disease (PMID: 29241730, 34030699). Studies have shown that disruption of this splice site results in retention of intron 7, and produces a non-functional protein and/or introduces a premature termination codon (PMID: 29241730). In summary, the currently available evidence indicates that the variant is pathogenic, but additional data are needed to prove that conclusively. Therefore, this variant has been classified as Likely Pathogenic.

Literature cited by the submitters: PubMed 29241730; PubMed 34030699.